The following is an entry in ClinVar:

ClinVar aggregate classification (germline): Likely benign. Review status: criteria provided, multiple submitters, no conflicts (2 of 4 stars). 2 submissions from 2 submitters: Likely benign (2). Last evaluated 2024-02-28.

Conditions:
Cardiomyopathy (CMYO). Also called: Cardiomyopathies. Identifiers: Orphanet 167848, MedGen C0878544, MONDO:0004994, HP:0001638. Inheritance: Various modes of inheritance.
Familial isolated arrhythmogenic right ventricular dysplasia. Identifiers: Orphanet 217656, MedGen C4274968, MONDO:0016342.

Allele frequency attached by ClinVar (database versions not stated): gnomAD exomes below 0.00001; TOPMed below 0.00001.
gnomAD v4.1: 1 of 1,613,664 alleles (0.000062%); highest among the groups gnomAD compares: Non-Finnish European, 0.000085%; no homozygotes.

Submissions (2):

All of Us Research Program, National Institutes of Health
Classification: Likely benign for Familial isolated arrhythmogenic right ventricular dysplasia. Last evaluated: 2024-02-28. Review status: criteria provided, single submitter. Criteria: ACMG Guidelines, 2015. Collection method: clinical testing. Allele origin: germline. Inheritance: Autosomal dominant inheritance. Observed: 1 variant allele, 1 heterozygote.
Comment: This study involves interpretation of variants in research participants for the purpose of population health screening. Participant phenotype was not available at the time of variant classification. Additional details can be found in publication PMID: 35346344, PMCID: PMC8962531

Color Diagnostics, LLC DBA Color Health
Classification: Likely benign for Cardiomyopathy. Last evaluated: 2019-10-07. Review status: criteria provided, single submitter. Criteria: ACMG Guidelines, 2015. Collection method: clinical testing. Allele origin: germline.

NM_024422.6(DSC2):c.2131C>T (p.Leu711=)

Gene: DSC2 (desmocollin 2; minus strand). Cytogenetic location: 18q12.1.
Variant type: single nucleotide variant.
Coding change: c.2131C>T on transcript NM_024422.6 (MANE Select); coding-DNA position 2131, C replaced by T.
Protein change: p.Leu711=; no amino-acid change (leucine 711 retained).
Molecular consequence: synonymous variant.
Genome position (GRCh38, 1-based): chr18:31,070,845, G>A on the plus strand (C>T on the coding strand, the complement: DSC2 is on the minus strand). VCF-style: chr18-31070845-G-A. GRCh37 (hg19) VCF-style: chr18-28650811-G-A.
Other names: c.2131C>T, p.Leu711= (NM_004949.5).
Identifiers: ClinVar variation 925710 (VCV000925710.3), dbSNP rs1214149293, ClinGen allele CA503384775.